The following is an entry in ClinVar:

ClinVar aggregate classification (germline): Uncertain significance (1 of 4 stars; one submission).

Conditions:
Inborn genetic diseases. Identifiers: MedGen C0950123, MeSH D030342.

Submission:

Ambry Genetics
Classification: Uncertain significance for Inborn genetic diseases. Last evaluated: 2024-01-25. Review status: criteria provided, single submitter. Criteria: Ambry Variant Classification Scheme 2023. Collection method: clinical testing. Allele origin: germline.
Comment: The p.V319M variant (also known as c.955G>A), located in coding exon 11 of the ERCC2 gene, results from a G to A substitution at nucleotide position 955. The valine at codon 319 is replaced by methionine, an amino acid with highly similar properties. This amino acid position is conserved. In addition, the in silico prediction for this alteration is inconclusive. Based on the available evidence, the clinical significance of this alteration remains unclear.

NM_000400.4(ERCC2):c.955G>A (p.Val319Met)

Gene: ERCC2 (ERCC excision repair 2, TFIIH core complex helicase subunit; minus strand). Cytogenetic location: 19q13.32.
Variant type: single nucleotide variant.
Coding change: c.955G>A on transcript NM_000400.4 (MANE Select); coding-DNA position 955, G replaced by A.
Protein change: p.Val319Met; replaces valine 319 with methionine.
Molecular consequence: missense variant.
Genome position (GRCh38, 1-based): chr19:45,363,906, C>T on the plus strand (G>A on the coding strand, the complement: ERCC2 is on the minus strand). VCF-style: chr19-45363906-C-T. GRCh37 (hg19) VCF-style: chr19-45867164-C-T.
Other names: c.883G>A, p.Val295Met (NM_001130867.2); short protein forms V295M, V319M.
Identifiers: ClinVar variation 3231722 (VCV003231722.1), dbSNP rs2514029016, ClinGen allele CA406373158.